The following is an entry in ClinVar:

ClinVar aggregate classification (germline): Uncertain significance (1 of 4 stars; one submission).

Conditions:
Hereditary cancer-predisposing syndrome. Also called: Neoplastic Syndromes, Hereditary; Tumor predisposition; Hereditary neoplastic syndrome; Hereditary Cancer Syndrome. Identifiers: Orphanet 140162, MedGen C0027672, MeSH D009386, MONDO:0015356.

Submission:

Ambry Genetics
Classification: Uncertain significance for Hereditary cancer-predisposing syndrome. Last evaluated: 2026-08-26. Review status: criteria provided, single submitter. Criteria: Ambry Variant Classification Scheme 2023. Collection method: clinical testing. Allele origin: germline.
Comment: The c.3339dupA variant, located in coding exon 19 of the BRIP1 gene, results from a duplication of A at nucleotide position 3339, causing a translational frameshift with a predicted alternate stop codon (p.Q1114Tfs*6). This variant occurs at the 3' terminus of the gene, is not expected to trigger nonsense-mediated mRNAdecay, and impacts the last 10% of the protein. The exact functional effect of this variant is unknown. Based on the available evidence, the clinical significance of this variant remains unclear.

NM_032043.3(BRIP1):c.3339dup (p.Gln1114fs)

Gene: BRIP1 (BRCA1 interacting DNA helicase 1; minus strand). Cytogenetic location: 17q23.2.
Variant type: Duplication.
Coding change: c.3339dup on transcript NM_032043.3 (MANE Select); coding-DNA position 3339, one base duplicated (A; older notation c.3339dupA).
Protein change: p.Gln1114fs; shifts the reading frame from glutamine 1114.
Molecular consequence: frameshift variant.
Genome position (GRCh38, 1-based): chr17:61,683,707, T duplicated on the plus strand (A on the coding strand, the reverse complement: BRIP1 is on the minus strand); the first of 3 consecutive T bases (chr17:61,683,707-61,683,709); duplicating any one gives the same sequence. VCF-style (leftmost placement, unchanged base first): chr17-61683706-G-GT. GRCh37 (hg19) VCF-style: chr17-59761067-G-GT.
Other names: c.3339dupA (NM_032043.2); short protein forms Q1114fs.
Identifiers: ClinVar variation 5033456 (VCV005033456.1).